The following is an entry in ClinVar:

ClinVar aggregate classification (germline): Uncertain significance. Review status: criteria provided, multiple submitters, no conflicts (2 of 4 stars). 3 submissions from 3 submitters: Uncertain significance (3). Last evaluated 2025-05-16.

Allele frequency attached by ClinVar (database versions not stated): gnomAD exomes 0.00003.
gnomAD v4.1: 48 of 1,610,716 alleles (0.003%); highest among the groups gnomAD compares: Non-Finnish European, 0.0035%; no homozygotes.

Submissions (3):

Ambry Genetics
Classification: Uncertain significance. Last evaluated: 2025-05-16. Review status: criteria provided, single submitter. Criteria: Ambry Variant Classification Scheme 2023. Collection method: clinical testing. Allele origin: germline.

Labcorp Genetics (formerly Invitae), Labcorp
Classification: Uncertain significance. Last evaluated: 2023-07-25. Review status: criteria provided, single submitter. Criteria: Invitae Variant Classification Sherloc (09022015). Collection method: clinical testing. Allele origin: germline.
Comment: This variant is present in population databases (rs751581504, gnomAD 0.01%). This variant has not been reported in the literature in individuals affected with IL6ST-related conditions. ClinVar contains an entry for this variant (Variation ID: 1442638). An algorithm developed to predict the effect of missense changes on protein structure and function (PolyPhen-2) suggests that this variant is likely to be tolerated. In summary, the available evidence is currently insufficient to determine the role of this variant in disease. Therefore, it has been classified as a Variant of Uncertain Significance. This sequence change replaces valine, which is neutral and non-polar, with leucine, which is neutral and non-polar, at codon 189 of the IL6ST protein (p.Val189Leu).

Blueprint Genetics
Classification: Uncertain significance. Last evaluated: 2020-11-02. Review status: criteria provided, single submitter. Criteria: ACMG Guidelines, 2015. Collection method: clinical testing. Allele origin: germline.

NM_002184.4(IL6ST):c.565G>T (p.Val189Leu)

Gene: IL6ST (interleukin 6 cytokine family signal transducer; minus strand). Cytogenetic location: 5q11.2.
Variant type: single nucleotide variant.
Coding change: c.565G>T on transcript NM_002184.4 (MANE Select); coding-DNA position 565, G replaced by T.
Protein change: p.Val189Leu; replaces valine 189 with leucine.
Molecular consequence: missense variant. On other transcripts: 5 prime UTR variant (3), non-coding transcript variant (2).
Genome position (GRCh38, 1-based): chr5:55,964,239, C>A on the plus strand (G>T on the coding strand, the complement: IL6ST is on the minus strand). VCF-style: chr5-55964239-C-A. GRCh37 (hg19) VCF-style: chr5-55260067-C-A.
Other names: c.565G>T, p.Val189Leu (NM_001190981.2, NM_001364275.2, NM_175767.3); c.355G>T, p.Val119Leu (NM_001364276.2); c.-349G>T (NM_001364277.2, NM_001364279.2); c.-339G>T (NM_001364278.2); c.565G>T (NM_002184.3); short protein forms V189L, V119L.
Identifiers: ClinVar variation 1442638 (VCV001442638.8), dbSNP rs751581504, ClinGen allele CA3271671.